The following is an entry in ClinVar:

NM_015910.7(WDPCP):c.216del (p.Glu72fs)

Gene: WDPCP (WD repeat containing planar cell polarity effector; minus strand). Cytogenetic location: 2p15.
Variant type: Deletion.
Coding change: c.216del on transcript NM_015910.7 (MANE Select); coding-DNA position 216, one base deleted (G; older notation c.216delG).
Protein change: p.Glu72fs; shifts the reading frame from glutamic acid 72.
Molecular consequence: frameshift variant. On other transcripts: non-coding transcript variant (2).
Genome position (GRCh38, 1-based): chr2:63,486,579, C deleted on the plus strand (G on the coding strand, the reverse complement: WDPCP is on the minus strand). VCF-style (leftmost placement, unchanged base first): chr2-63486578-GC-G. GRCh37 (hg19) VCF-style: chr2-63713712-GC-G.
Other names: c.144del, p.Glu48fs (NM_001354044.2); c.216del, p.Glu72fs (NM_001354045.2); short protein forms E48fs, E72fs.
Identifiers: ClinVar variation 2764775 (VCV002764775.3), dbSNP rs2467524698, ClinGen allele CA2697548189.

ClinVar aggregate classification (germline): Pathogenic (1 of 4 stars; one submission).

Conditions:
Bardet-Biedl syndrome (BBS). Identifiers: Orphanet 110, MedGen C0752166, MONDO:0015229.

Submission:

Labcorp Genetics (formerly Invitae), Labcorp
Classification: Pathogenic for Bardet-Biedl syndrome. Last evaluated: 2023-09-30. Review status: criteria provided, single submitter. Criteria: Invitae Variant Classification Sherloc (09022015). Collection method: clinical testing. Allele origin: germline.
Comment: This variant is not present in population databases (gnomAD no frequency). For these reasons, this variant has been classified as Pathogenic. This variant has not been reported in the literature in individuals affected with WDPCP-related conditions. This sequence change creates a premature translational stop signal (p.Glu72Aspfs*5) in the WDPCP gene. It is expected to result in an absent or disrupted protein product. Loss-of-function variants in WDPCP are known to be pathogenic (PMID: 20671153, 25427950, 27158779).

Literature cited by the submitters: PubMed 20671153; PubMed 25427950; PubMed 27158779.